The following is an entry in ClinVar:

ClinVar aggregate classification (germline): Uncertain significance. Review status: criteria provided, multiple submitters, no conflicts (2 of 4 stars). 4 submissions from 4 submitters: Uncertain significance (3). 1 of the submissions does not count toward it. Last evaluated 2023-09-13.

Conditions:
Hereditary cancer-predisposing syndrome. Also called: Neoplastic Syndromes, Hereditary; Hereditary Cancer Syndrome; Tumor predisposition; Hereditary neoplastic syndrome. Identifiers: Orphanet 140162, MedGen C0027672, MeSH D009386, MONDO:0015356.
Ataxia-telangiectasia syndrome (AT). Also called: LOUIS-BAR SYNDROME; Cerebello-oculocutaneous telangiectasia; Immunodeficiency with ataxia telangiectasia; Ataxia-telangiectasia, complementation group D; AT, COMPLEMENTATION GROUP C; Ataxia-telangiectasia, complementation group E. Identifiers: Orphanet 100, MedGen C0004135, MONDO:0008840, OMIM 208900.

Allele frequency attached by ClinVar (database versions not stated): gnomAD exomes below 0.00001.
gnomAD v4.1: 1 of 1,613,846 alleles (0.000062%); highest among the groups gnomAD compares: South Asian, 0.0011%; no homozygotes.

Submissions (4):

Ambry Genetics
Classification: Uncertain significance for Hereditary cancer-predisposing syndrome. Last evaluated: 2023-09-13. Review status: criteria provided, single submitter. Criteria: Ambry Variant Classification Scheme 2023. Collection method: clinical testing. Allele origin: germline.
Comment: The p.M2806T variant (also known as c.8417T>C), located in coding exon 56 of the ATM gene, results from a T to C substitution at nucleotide position 8417. The methionine at codon 2806 is replaced by threonine, an amino acid with similar properties. This amino acid position is not well conserved in available vertebrate species. In addition, this alteration is predicted to be tolerated by in silico analysis. Since supporting evidence is limited at this time, the clinical significance of this alteration remains unclear.

Color Diagnostics, LLC DBA Color Health
Classification: Uncertain significance for Hereditary cancer-predisposing syndrome. Last evaluated: 2021-09-15. Review status: criteria provided, single submitter. Criteria: ACMG Guidelines, 2015. Collection method: clinical testing. Allele origin: germline.
Comment: This missense variant replaces methionine with threonine at codon 2806 of the ATM protein. Computational prediction suggests that this variant may not impact protein structure and function (internally defined REVEL score threshold <= 0.5, PMID: 27666373). To our knowledge, functional studies have not been reported for this variant. This variant has not been reported in individuals affected with hereditary cancer in the literature. This variant has not been identified in the general population by the Genome Aggregation Database (gnomAD). The available evidence is insufficient to determine the role of this variant in disease conclusively. Therefore, this variant is classified as a Variant of Uncertain Significance.

Labcorp Genetics (formerly Invitae), Labcorp
Classification: Uncertain significance for Ataxia-telangiectasia syndrome. Last evaluated: 2021-08-28. Review status: criteria provided, single submitter. Criteria: Invitae Variant Classification Sherloc (09022015). Collection method: clinical testing. Allele origin: germline.
Comment: This sequence change replaces methionine with threonine at codon 2806 of the ATM protein (p.Met2806Thr). The methionine residue is moderately conserved and there is a moderate physicochemical difference between methionine and threonine. This variant is not present in population databases (ExAC no frequency). This variant has not been reported in the literature in individuals affected with ATM-related conditions. ClinVar contains an entry for this variant (Variation ID: 481146). Algorithms developed to predict the effect of missense changes on protein structure and function (SIFT, PolyPhen-2, Align-GVGD) all suggest that this variant is likely to be tolerated. In summary, the available evidence is currently insufficient to determine the role of this variant in disease. Therefore, it has been classified as a Variant of Uncertain Significance.

Natera, Inc.
Classification: Uncertain significance for Ataxia-telangiectasia. Last evaluated: 2020-10-05. Review status: no assertion criteria provided. Collection method: clinical testing. Allele origin: germline. Not counted in ClinVar's aggregate classification.

NM_000051.4(ATM):c.8417T>C (p.Met2806Thr)

Genes: ATM (ATM serine/threonine kinase; plus strand), C11orf65 (chromosome 11 open reading frame 65; minus strand). Cytogenetic location: 11q22.3.
Variant type: single nucleotide variant.
Coding change: c.8417T>C on transcript NM_000051.4 (MANE Select); coding-DNA position 8417, T replaced by C.
Protein change: p.Met2806Thr; replaces methionine 2806 with threonine.
Molecular consequence: missense variant. On other transcripts: intron variant (2).
Genome position (GRCh38, 1-based): chr11:108,343,370, T>C. VCF-style: chr11-108343370-T-C. GRCh37 (hg19) VCF-style: chr11-108214097-T-C.
Other names: c.8417T>C, p.Met2806Thr (NM_001351834.2); c.641-34299A>G (NM_001330368.2); c.695-8078A>G (NM_001351110.2); short protein forms M2806T.
Identifiers: ClinVar variation 481146 (VCV000481146.26), dbSNP rs1234463032, ClinGen allele CA382516869.